The following is an entry in ClinVar:

ClinVar aggregate classification (germline): Uncertain significance (1 of 4 stars; one submission).

Conditions:
Hereditary motor and sensory neuropathy, Okinawa type (HMSNO). Also called: HEREDITARY MOTOR AND SENSORY NEUROPATHY, PROXIMAL TYPE. Identifiers: Orphanet 90117, MedGen C1858338, MONDO:0011468, OMIM 604484.
Hereditary spastic paraplegia 57. Also called: Spastic paraplegia 57, autosomal recessive. Identifiers: Orphanet 431329, MedGen C3714897, MONDO:0014295, OMIM 615658.

Submission:

Labcorp Genetics (formerly Invitae), Labcorp
Classification: Uncertain significance for Hereditary motor and sensory neuropathy, Okinawa type; Hereditary spastic paraplegia 57. Last evaluated: 2020-10-08. Review status: criteria provided, single submitter. Criteria: Invitae Variant Classification Sherloc (09022015). Collection method: clinical testing. Allele origin: germline.
Comment: This sequence change replaces isoleucine with methionine at codon 66 of the TFG protein (p.Ile66Met). The isoleucine residue is highly conserved and there is a small physicochemical difference between isoleucine and methionine. This variant is not present in population databases (ExAC no frequency). This variant has not been reported in the literature in individuals with TFG-related conditions. Algorithms developed to predict the effect of missense changes on protein structure and function are either unavailable or do not agree on the potential impact of this missense change (SIFT: "Deleterious"; PolyPhen-2: "Probably Damaging"; Align-GVGD: "Class C0"). In summary, the available evidence is currently insufficient to determine the role of this variant in disease. Therefore, it has been classified as a Variant of Uncertain Significance.

NM_006070.6(TFG):c.198A>G (p.Ile66Met)

Gene: TFG (trafficking from ER to golgi regulator; plus strand). Cytogenetic location: 3q12.2.
Variant type: single nucleotide variant.
Coding change: c.198A>G on transcript NM_006070.6 (MANE Select); coding-DNA position 198, A replaced by G.
Protein change: p.Ile66Met; replaces isoleucine 66 with methionine.
Molecular consequence: missense variant.
Genome position (GRCh38, 1-based): chr3:100,719,988, A>G. VCF-style: chr3-100719988-A-G. GRCh37 (hg19) VCF-style: chr3-100438832-A-G.
Other names: c.198A>G, p.Ile66Met (NM_001007565.2, NM_001195478.2, NM_001195479.2); short protein forms I66M.
Identifiers: ClinVar variation 1004051 (VCV001004051.8), dbSNP rs2095056339, ClinGen allele CA353838929.